The following is an entry in ClinVar:

ClinVar aggregate classification (germline): Uncertain significance (1 of 4 stars; one submission).

Conditions:
Aspartylglucosaminuria (AGU). Also called: GLYCOASPARAGINASE; GLYCOSYLASPARAGINASE DEFICIENCY; Aspartylglucos-aminuria; Aspartylglucos-amidase (AGA) deficiency; AGA DEFICIENCY. Identifiers: Orphanet 93, MedGen C0268225, MONDO:0008830, OMIM 208400, HP:0012068.

Allele frequency attached by ClinVar (database versions not stated): ExAC 0.00001; gnomAD 0.00001 and 0.00002; gnomAD exomes 0.00001; TOPMed 0.00002; 1000 Genomes Project 30x 0.00016; 1000 Genomes Project 0.00020.

Submission:

Labcorp Genetics (formerly Invitae), Labcorp
Classification: Uncertain significance for Aspartylglucosaminuria. Last evaluated: 2025-04-16. Review status: criteria provided, single submitter. Criteria: Invitae Variant Classification Sherloc (09022015). Collection method: clinical testing. Allele origin: germline.
Comment: This sequence change replaces isoleucine, which is neutral and non-polar, with valine, which is neutral and non-polar, at codon 192 of the AGA protein (p.Ile192Val). This variant is present in population databases (rs189159117, gnomAD 0.01%). This variant has not been reported in the literature in individuals affected with AGA-related conditions. ClinVar contains an entry for this variant (Variation ID: 1434186). Invitae Evidence Modeling of protein sequence and biophysical properties (such as structural, functional, and spatial information, amino acid conservation, physicochemical variation, residue mobility, and thermodynamic stability) indicates that this missense variant is not expected to disrupt AGA protein function with a negative predictive value of 95%. In summary, the available evidence is currently insufficient to determine the role of this variant in disease. Therefore, it has been classified as a Variant of Uncertain Significance.

NM_000027.4(AGA):c.574A>G (p.Ile192Val)

Gene: AGA (aspartylglucosaminidase; minus strand). Cytogenetic location: 4q34.3.
Variant type: single nucleotide variant.
Coding change: c.574A>G on transcript NM_000027.4 (MANE Select); coding-DNA position 574, A replaced by G.
Protein change: p.Ile192Val; replaces isoleucine 192 with valine.
Molecular consequence: missense variant. On other transcripts: non-coding transcript variant (1).
Genome position (GRCh38, 1-based): chr4:177,437,453, T>C on the plus strand (A>G on the coding strand, the complement: AGA is on the minus strand). VCF-style: chr4-177437453-T-C. GRCh37 (hg19) VCF-style: chr4-178358607-T-C.
Other names: c.574A>G, p.Ile192Val (NM_001171988.2); short protein forms I192V.
Identifiers: ClinVar variation 1434186 (VCV001434186.5), dbSNP rs189159117, ClinGen allele CA3146888.